The following is an entry in ClinVar:

NM_000059.4(BRCA2):c.7433T>G (p.Leu2478Ter)

Gene: BRCA2 (BRCA2 DNA repair associated; plus strand). Cytogenetic location: 13q13.1.
Variant type: single nucleotide variant.
Coding change: c.7433T>G on transcript NM_000059.4 (MANE Select); coding-DNA position 7433, T replaced by G.
Protein change: p.Leu2478Ter; replaces leucine 2478 with a stop codon.
Molecular consequence: nonsense.
Genome position (GRCh38, 1-based): chr13:32,355,286, T>G. VCF-style: chr13-32355286-T-G. GRCh37 (hg19) VCF-style: chr13-32929423-T-G.
Other names: short protein forms L2478*.
Identifiers: ClinVar variation 843456 (VCV000843456.8), dbSNP rs2072685323, ClinGen allele CA387742125.

ClinVar aggregate classification (germline): Pathogenic (1 of 4 stars; one submission).

Conditions:
Hereditary breast ovarian cancer syndrome. Also called: Breast and ovarian cancer; Hereditary breast and ovarian cancer syndrome; Hereditary breast and ovarian cancer syndrome (HBOC); BRCA1- and BRCA2-Associated Hereditary Breast and Ovarian Cancer; Hereditary breast and ovarian cancer; Hereditary breast and/or ovarian cancer syndrome. Identifiers: Orphanet 145, MedGen C0677776, MeSH D061325, MONDO:0003582. Disease mechanism: loss of function.

Submission:

Labcorp Genetics (formerly Invitae), Labcorp
Classification: Pathogenic for Hereditary breast ovarian cancer syndrome. Last evaluated: 2019-05-29. Review status: criteria provided, single submitter. Criteria: Invitae Variant Classification Sherloc (09022015). Collection method: clinical testing. Allele origin: germline.
Comment: This variant has not been reported in the literature in individuals with BRCA2-related conditions. Loss-of-function variants in BRCA2 are known to be pathogenic (PMID: 20104584). This sequence change creates a premature translational stop signal (p.Leu2478*) in the BRCA2 gene. It is expected to result in an absent or disrupted protein product. This variant is not present in population databases (ExAC no frequency). For these reasons, this variant has been classified as Pathogenic.

Literature cited by the submitters: PubMed 20104584.